The following is an entry in ClinVar:

ClinVar aggregate classification (germline): Uncertain significance. Review status: criteria provided, multiple submitters, no conflicts (2 of 4 stars). 2 submissions from 2 submitters: Uncertain significance (2). Last evaluated 2025-10-07.

Allele frequency attached by ClinVar (database versions not stated): ExAC 0.00006; TOPMed 0.00010; gnomAD exomes 0.00012; gnomAD 0.00015 and 0.00017; ESP Exome Variant Server 0.00019.
gnomAD v4.1: 177 of 1,543,140 alleles (0.011%); highest among the groups gnomAD compares: Non-Finnish European, 0.014%; no homozygotes.

Submissions (2):

Labcorp Genetics (formerly Invitae), Labcorp
Classification: Uncertain significance. Last evaluated: 2025-10-07. Review status: criteria provided, single submitter. Criteria: Invitae Variant Classification Sherloc (09022015). Collection method: clinical testing. Allele origin: germline.
Comment: This sequence change replaces arginine, which is basic and polar, with cysteine, which is neutral and slightly polar, at codon 482 of the FSCN2 protein (p.Arg482Cys). This variant is present in population databases (rs374827376, gnomAD 0.03%). This variant has not been reported in the literature in individuals affected with FSCN2-related conditions. ClinVar contains an entry for this variant (Variation ID: 961183). An algorithm developed to predict the effect of missense changes on protein structure and function (PolyPhen-2) suggests that this variant is likely to be disruptive. In summary, the available evidence is currently insufficient to determine the role of this variant in disease. Therefore, it has been classified as a Variant of Uncertain Significance.

Ambry Genetics
Classification: Uncertain significance. Last evaluated: 2025-08-20. Review status: criteria provided, single submitter. Criteria: Ambry Variant Classification Scheme 2023. Collection method: clinical testing. Allele origin: germline.

NM_012418.4(FSCN2):c.1372C>T (p.Arg458Cys)

Gene: FSCN2 (fascin actin-bundling protein 2, retinal; plus strand). Cytogenetic location: 17q25.3.
Variant type: single nucleotide variant.
Coding change: c.1372C>T on transcript NM_012418.4 (MANE Select); coding-DNA position 1372, C replaced by T.
Protein change: p.Arg458Cys; replaces arginine 458 with cysteine.
Molecular consequence: missense variant.
Genome position (GRCh38, 1-based): chr17:81,536,973, C>T. VCF-style: chr17-81536973-C-T. GRCh37 (hg19) VCF-style: chr17-79503999-C-T.
Other names: c.1444C>T, p.Arg482Cys (NM_001077182.3); short protein forms R482C, R458C.
Identifiers: ClinVar variation 961183 (VCV000961183.13), dbSNP rs374827376, ClinGen allele CA8837127.